The following is an entry in ClinVar:

ClinVar aggregate classification (germline): Uncertain significance. Review status: criteria provided, single submitter (1 of 4 stars). 2 submissions from 2 submitters: Uncertain significance (1). 1 of the submissions does not count toward it. Last evaluated 2025-07-19.

Conditions:
BAP1-related disorder. Also called: BAP1-related condition.
Hereditary cancer-predisposing syndrome. Also called: Tumor predisposition; Hereditary neoplastic syndrome; Hereditary Cancer Syndrome; Neoplastic Syndromes, Hereditary. Identifiers: Orphanet 140162, MedGen C0027672, MeSH D009386, MONDO:0015356.

Allele frequency attached by ClinVar (database versions not stated): gnomAD exomes below 0.00001.
gnomAD v4.1: 2 of 1,614,042 alleles (0.00012%); highest among the groups gnomAD compares: South Asian, 0.0022%; no homozygotes.

Submissions (2):

Ambry Genetics
Classification: Uncertain significance for Hereditary cancer-predisposing syndrome. Last evaluated: 2025-07-19. Review status: criteria provided, single submitter. Criteria: Ambry Variant Classification Scheme 2023. Collection method: clinical testing. Allele origin: germline.
Comment: The p.P588S variant (also known as c.1762C>T), located in coding exon 14 of the BAP1 gene, results from a C to T substitution at nucleotide position 1762. The proline at codon 588 is replaced by serine, an amino acid with similar properties. This amino acid position is conserved. In addition, this alteration is predicted to be tolerated by in silico analysis. Based on the available evidence, the clinical significance of this variant remains unclear.

PreventionGenetics, part of Exact Sciences
Classification: Uncertain significance for BAP1-related condition. Last evaluated: 2023-12-07. Review status: no assertion criteria provided. Collection method: clinical testing. Allele origin: germline. Not counted in ClinVar's aggregate classification.
Comment: The BAP1 c.1762C>T variant is predicted to result in the amino acid substitution p.Pro588Ser. To our knowledge, this variant has not been reported in the literature. This variant is reported in 0.0033% of alleles in individuals of South Asian descent in gnomAD. At this time, the clinical significance of this variant is uncertain due to the absence of conclusive functional and genetic evidence.

NM_004656.4(BAP1):c.1762C>T (p.Pro588Ser)

Gene: BAP1 (BRCA1 associated deubiquitinase 1; minus strand). Cytogenetic location: 3p21.1.
Variant type: single nucleotide variant.
Coding change: c.1762C>T on transcript NM_004656.4 (MANE Select); coding-DNA position 1762, C replaced by T.
Protein change: p.Pro588Ser; replaces proline 588 with serine.
Molecular consequence: missense variant.
Genome position (GRCh38, 1-based): chr3:52,403,266, G>A on the plus strand (C>T on the coding strand, the complement: BAP1 is on the minus strand). VCF-style: chr3-52403266-G-A. GRCh37 (hg19) VCF-style: chr3-52437282-G-A.
Other names: c.1708C>T, p.Pro570Ser (NM_001410772.1); short protein forms P570S, P588S.
Identifiers: ClinVar variation 3029581 (VCV003029581.3), dbSNP rs1389012731, ClinGen allele CA353099105.